The following is an entry in ClinVar:

NM_001367624.2(ZNF469):c.9413C>T (p.Thr3138Met)

Gene: ZNF469 (zinc finger protein 469; plus strand). Cytogenetic location: 16q24.2.
Variant type: single nucleotide variant.
Coding change: c.9413C>T on transcript NM_001367624.2 (MANE Select); coding-DNA position 9413, C replaced by T.
Protein change: p.Thr3138Met; replaces threonine 3138 with methionine.
Molecular consequence: missense variant.
Genome position (GRCh38, 1-based): chr16:88,436,883, C>T. VCF-style: chr16-88436883-C-T. GRCh37 (hg19) VCF-style: chr16-88503291-C-T.
Other names: NM_001127464.1:c.9329C>T; short protein forms T3138M.
Identifiers: ClinVar variation 1348117 (VCV001348117.8), dbSNP rs1052448547, ClinGen allele CA286385359.
Genomic context (GRCh38, chr16:88,436,883, plus strand): 5'-AAGTGTGCTTCCAGCGCTTCCGCAGCCTGGGCGAGCTGGACCTGCACAAGCTGGCCCACA[C>T]GCCCGCGCCGCCGCCCACCTGCTACATGTGCGTGGAGCGCAGGTTTGGCTCGCGGGAGCT-3'
Protein context (NP_001354553.1, residues 3128-3148): GELDLHKLAH[Thr3138Met]PAPPPTCYMC

ClinVar aggregate classification (germline): Conflicting classifications of pathogenicity. Review status: criteria provided, conflicting classifications (1 of 4 stars). 3 submissions from 3 submitters: Uncertain significance (2); Likely benign (1). Last evaluated 2025-03-28.

Conditions:
Cardiovascular phenotype. Identifiers: MedGen CN230736.

Allele frequency attached by ClinVar (database versions not stated): gnomAD 0.00001; gnomAD exomes 0.00001; TOPMed 0.00002.
gnomAD v4.1: 17 of 1,505,890 alleles (0.0011%); highest among the groups gnomAD compares: African/African-American, 0.0056%; no homozygotes.

Submissions (3):

Women's Health and Genetics/Laboratory Corporation of America, LabCorp
Classification: Uncertain significance. Last evaluated: 2025-03-28. Review status: criteria provided, single submitter. Criteria: LabCorp Variant Classification Summary - May 2015. Collection method: clinical testing. Allele origin: germline.
Comment: Variant summary: ZNF469 c.9413C>T (p.Thr3138Met) results in a non-conservative amino acid change in the encoded protein sequence. Three of four in-silico tools predict a benign effect of the variant on protein function. The variant was absent in 112092 control chromosomes. The available data on variant occurrences in the general population are insufficient to allow any conclusion about variant significance. To our knowledge, no occurrence of c.9413C>T in individuals affected with Brittle cornea syndrome 1 and no experimental evidence demonstrating its impact on protein function have been reported. ClinVar contains an entry for this variant (Variation ID: 1348117). Based on the evidence outlined above, the variant was classified as uncertain significance.

Ambry Genetics
Classification: Likely benign for Cardiovascular phenotype. Last evaluated: 2024-06-07. Review status: criteria provided, single submitter. Criteria: Ambry Variant Classification Scheme 2023. Collection method: clinical testing. Allele origin: germline.

Labcorp Genetics (formerly Invitae), Labcorp
Classification: Uncertain significance. Last evaluated: 2023-08-24. Review status: criteria provided, single submitter. Criteria: Invitae Variant Classification Sherloc (09022015). Collection method: clinical testing. Allele origin: germline.
Comment: In summary, the available evidence is currently insufficient to determine the role of this variant in disease. Therefore, it has been classified as a Variant of Uncertain Significance. Algorithms developed to predict the effect of missense changes on protein structure and function output the following: SIFT: "Not Available"; PolyPhen-2: "Benign"; Align-GVGD: "Not Available". The methionine amino acid residue is found in multiple mammalian species, which suggests that this missense change does not adversely affect protein function. ClinVar contains an entry for this variant (Variation ID: 1348117). This variant has not been reported in the literature in individuals affected with ZNF469-related conditions. The frequency data for this variant in the population databases is considered unreliable, as metrics indicate poor data quality at this position in the gnomAD database. This sequence change replaces threonine, which is neutral and polar, with methionine, which is neutral and non-polar, at codon 3110 of the ZNF469 protein (p.Thr3110Met).